The following is an entry in ClinVar:

ClinVar aggregate classification (germline): Likely benign. Review status: criteria provided, multiple submitters, no conflicts (2 of 4 stars). 3 submissions from 3 submitters: Likely benign (2). 1 of the submissions does not count toward it. Last evaluated 2024-12-03.

Conditions:
ASTN2-related disorder. Also called: ASTN2-related condition.

Allele frequency attached by ClinVar (database versions not stated): ExAC 0.00003; gnomAD exomes 0.00003; gnomAD 0.00005 and 0.00006; TOPMed 0.00005; ESP Exome Variant Server 0.00008.
gnomAD v4.1: 34 of 1,614,026 alleles (0.0021%); highest among the groups gnomAD compares: Middle Eastern, 0.016%; no homozygotes.

Submissions (3):

Ambry Genetics
Classification: Likely benign. Last evaluated: 2024-12-03. Review status: criteria provided, single submitter. Criteria: Ambry Variant Classification Scheme 2023. Collection method: clinical testing. Allele origin: germline.

Labcorp Genetics (formerly Invitae), Labcorp
Classification: Likely benign. Last evaluated: 2018-07-13. Review status: criteria provided, single submitter. Criteria: Invitae Variant Classification Sherloc (09022015). Collection method: clinical testing. Allele origin: germline.

PreventionGenetics, part of Exact Sciences
Classification: Likely benign for ASTN2-related condition. Last evaluated: 2019-09-26. Review status: no assertion criteria provided. Collection method: clinical testing. Allele origin: germline. Not counted in ClinVar's aggregate classification.
Comment: This variant is classified as likely benign based on ACMG/AMP sequence variant interpretation guidelines (Richards et al. 2015 PMID: 25741868, with internal and published modifications).

NM_001365068.1(ASTN2):c.3996G>A (p.Thr1332=)

Gene: ASTN2 (astrotactin 2; minus strand). Cytogenetic location: 9q33.1.
Variant type: single nucleotide variant.
Coding change: c.3996G>A on transcript NM_001365068.1 (MANE Select); coding-DNA position 3996, G replaced by A.
Protein change: p.Thr1332=; no amino-acid change (threonine 1332 retained).
Molecular consequence: synonymous variant. On other transcripts: intron variant (1), splice donor variant (1).
Genome position (GRCh38, 1-based): chr9:116,425,875, C>T on the plus strand (G>A on the coding strand, the complement: ASTN2 is on the minus strand). VCF-style: chr9-116425875-C-T. GRCh37 (hg19) VCF-style: chr9-119188154-C-T.
Other names: c.3984G>A, p.Thr1328= (NM_001365069.1); c.3843G>A, p.Thr1281= (NM_014010.5); c.1299G>A, p.Thr433= (NM_198186.3); c.1152G>A, p.Thr384= (NM_198187.3); c.1117+35G>A (NM_001184734.1); c.1151+1G>A (NM_198188.2).
Identifiers: ClinVar variation 757553 (VCV000757553.6), dbSNP rs375430304, ClinGen allele CA5210521.